The following is an entry in ClinVar:

ClinVar aggregate classification (germline): Pathogenic (1 of 4 stars; one submission).

Conditions:
Congenital lactic acidosis, Saguenay-Lac-Saint-Jean type (MC4DN5). Also called: CYTOCHROME c OXIDASE DEFICIENCY, FRENCH CANADIAN TYPE; COX DEFICIENCY, FRENCH CANADIAN TYPE; MITOCHONDRIAL COMPLEX IV DEFICIENCY, NUCLEAR TYPE 5. Identifiers: Orphanet 70472, MedGen C1857355, MONDO:0009069, OMIM 220111.

Submission:

Myriad Genetics, Inc.
Classification: Pathogenic for Congenital lactic acidosis, Saguenay-Lac-Saint-Jean type. Last evaluated: 2023-08-09. Review status: criteria provided, single submitter. Criteria: Myriad Autosomal Dominant, Autosomal Recessive and X-Linked Classification Criteria (2023). Collection method: clinical testing. Allele origin: unknown.
Comment: NM_133259.3(LRPPRC):c.1082_1083ins13(P362Ifs*38) is expected to be pathogenic in the context of Leigh syndrome, French-Canadian type. This variant is predicted to lead to an abnormal or absent protein product due to the creation of a premature termination codon in LRPPRC, a gene where loss-of-function variants are known to be pathogenic. Please note: this variant was assessed in the context of healthy population screening.

NM_133259.4(LRPPRC):c.1082_1083insTATAAGAGACAGT (p.Pro362fs)

Gene: LRPPRC (leucine rich pentatricopeptide repeat containing; minus strand). Cytogenetic location: 2p21.
Variant type: Insertion.
Coding change: c.1082_1083insTATAAGAGACAGT on transcript NM_133259.4 (MANE Select); coding-DNA positions 1082 to 1083, TATAAGAGACAGT inserted.
Protein change: p.Pro362fs; shifts the reading frame from proline 362.
Molecular consequence: frameshift variant.
Genome position: GRCh38 VCF-style: chr2-43974222-G-GACTGTCTCTTATA. GRCh37 (hg19) VCF-style: chr2-44201361-G-GACTGTCTCTTATA.
Other names: short protein forms P362fs.
Identifiers: ClinVar variation 5011283 (VCV005011283.1).